The following is an entry in ClinVar:

NM_001003787.4(STRADA):c.650A>G (p.Asn217Ser)

Gene: STRADA (STE20 related adaptor alpha; minus strand). Cytogenetic location: 17q23.3.
Variant type: single nucleotide variant.
Coding change: c.650A>G on transcript NM_001003787.4 (MANE Select); coding-DNA position 650, A replaced by G.
Protein change: p.Asn217Ser; replaces asparagine 217 with serine.
Molecular consequence: missense variant.
Genome position (GRCh38, 1-based): chr17:63,707,350, T>C on the plus strand (A>G on the coding strand, the complement: STRADA is on the minus strand). VCF-style: chr17-63707350-T-C. GRCh37 (hg19) VCF-style: chr17-61784710-T-C.
Other names: c.539A>G, p.Asn180Ser (NM_001003786.3, NM_001363789.1, NM_153335.6); c.476A>G, p.Asn159Ser (NM_001003788.3, NM_001363790.1, NM_001363791.1); c.563A>G, p.Asn188Ser (NM_001165969.2, NM_001363787.1); c.518A>G, p.Asn173Ser (NM_001165970.2); c.626A>G, p.Asn209Ser (NM_001363786.1); c.650A>G, p.Asn217Ser (NM_001363788.1); short protein forms N209S, N217S, N159S, N180S, N188S, N173S.
Identifiers: ClinVar variation 1042127 (VCV001042127.9), dbSNP rs751638115, ClinGen allele CA400591562.

ClinVar aggregate classification (germline): Uncertain significance (1 of 4 stars; one submission).

Conditions:
Polyhydramnios, megalencephaly, and symptomatic epilepsy (PMSE). Also called: PMSE SYNDROME. Identifiers: Orphanet 500533, MedGen C1970203, MONDO:0012611, OMIM 611087.

gnomAD v4.1: 1 of 1,613,982 alleles (0.000062%); highest among the groups gnomAD compares: Non-Finnish European, 0.000085%; no homozygotes.

Submission:

Labcorp Genetics (formerly Invitae), Labcorp
Classification: Uncertain significance for Polyhydramnios, megalencephaly, and symptomatic epilepsy. Last evaluated: 2020-02-21. Review status: criteria provided, single submitter. Criteria: Invitae Variant Classification Sherloc (09022015). Collection method: clinical testing. Allele origin: germline.
Comment: This sequence change replaces asparagine with serine at codon 217 of the STRADA protein (p.Asn217Ser). The asparagine residue is weakly conserved and there is a small physicochemical difference between asparagine and serine. In summary, the available evidence is currently insufficient to determine the role of this variant in disease. Therefore, it has been classified as a Variant of Uncertain Significance. Algorithms developed to predict the effect of sequence changes on RNA splicing suggest that this variant may create or strengthen a splice site, but this prediction has not been confirmed by published transcriptional studies. Algorithms developed to predict the effect of missense changes on protein structure and function output the following: SIFT: "Tolerated"; PolyPhen-2: "Benign"; Align-GVGD: "Class C0". The serine amino acid residue is found in multiple mammalian species, suggesting that this missense change does not adversely affect protein function. These predictions have not been confirmed by published functional studies and their clinical significance is uncertain. This variant has not been reported in the literature in individuals with STRADA-related conditions. This variant is not present in population databases (ExAC no frequency).